The following is an entry in ClinVar:

NM_000070.3(CAPN3):c.1211T>C (p.Phe404Ser)

Gene: CAPN3 (calpain 3; plus strand). Cytogenetic location: 15q15.1.
Variant type: single nucleotide variant.
Coding change: c.1211T>C on transcript NM_000070.3 (MANE Select); coding-DNA position 1211, T replaced by C.
Protein change: p.Phe404Ser; replaces phenylalanine 404 with serine.
Molecular consequence: missense variant.
Genome position (GRCh38, 1-based): chr15:42,399,509, T>C. VCF-style: chr15-42399509-T-C. GRCh37 (hg19) VCF-style: chr15-42691707-T-C.
Other names: c.1211T>C, p.Phe404Ser (NM_024344.2); c.1067T>C, p.Phe356Ser (NM_173087.2); short protein forms F404S, F356S.
Identifiers: ClinVar variation 1416953 (VCV001416953.8), dbSNP rs2141193571, ClinGen allele CA391999343.

ClinVar aggregate classification (germline): Uncertain significance (1 of 4 stars; one submission).

Conditions:
Autosomal recessive limb-girdle muscular dystrophy type 2A (LGMDR1). Also called: LEYDEN-MOEBIUS MUSCULAR DYSTROPHY; MUSCULAR DYSTROPHY, PELVOFEMORAL; Calpainopathy; Muscular dystrophy, limb-girdle, type 2A, Amish; Limb-girdle muscular dystrophy, type 2A. Identifiers: Orphanet 267, MedGen C1869123, MONDO:0009675, OMIM 253600. Disease mechanism: loss of function.

Submission:

Labcorp Genetics (formerly Invitae), Labcorp
Classification: Uncertain significance for Autosomal recessive limb-girdle muscular dystrophy type 2A. Last evaluated: 2021-03-26. Review status: criteria provided, single submitter. Criteria: Invitae Variant Classification Sherloc (09022015). Collection method: clinical testing. Allele origin: germline.
Comment: Algorithms developed to predict the effect of missense changes on protein structure and function are either unavailable or do not agree on the potential impact of this missense change (SIFT: "Deleterious"; PolyPhen-2: "Probably Damaging"; Align-GVGD: "Class C0"). This variant has not been reported in the literature in individuals with CAPN3-related conditions. This variant is not present in population databases (ExAC no frequency). This sequence change replaces phenylalanine with serine at codon 404 of the CAPN3 protein (p.Phe404Ser). The phenylalanine residue is highly conserved and there is a large physicochemical difference between phenylalanine and serine. In summary, the available evidence is currently insufficient to determine the role of this variant in disease. Therefore, it has been classified as a Variant of Uncertain Significance.